The following is an entry in ClinVar:

ClinVar aggregate classification (germline): Uncertain significance (1 of 4 stars; one submission).

Conditions:
Familial encephalopathy with neuroserpin inclusion bodies. Also called: ENCEPHALOPATHY, FAMILIAL, WITH COLLINS BODIES. Identifiers: Orphanet 85110, MedGen C1858680, MONDO:0011412, OMIM 604218.

gnomAD v4.1: 7 of 1,595,178 alleles (0.00044%); highest among the groups gnomAD compares: Non-Finnish European, 0.0006%; no homozygotes.

Submission:

Labcorp Genetics (formerly Invitae), Labcorp
Classification: Uncertain significance for Familial encephalopathy with neuroserpin inclusion bodies. Last evaluated: 2022-12-03. Review status: criteria provided, single submitter. Criteria: Invitae Variant Classification Sherloc (09022015). Collection method: clinical testing. Allele origin: germline.
Comment: In summary, the available evidence is currently insufficient to determine the role of this variant in disease. Therefore, it has been classified as a Variant of Uncertain Significance. Algorithms developed to predict the effect of sequence changes on RNA splicing suggest that this variant may disrupt the consensus splice site. This variant has not been reported in the literature in individuals affected with SERPINI1-related conditions. This variant is not present in population databases (gnomAD no frequency). This sequence change falls in intron 8 of the SERPINI1 gene. It does not directly change the encoded amino acid sequence of the SERPINI1 protein.

NM_001122752.2(SERPINI1):c.1157-10A>G

Gene: SERPINI1 (serpin family I member 1; plus strand). Cytogenetic location: 3q26.1.
Variant type: single nucleotide variant.
Coding change: c.1157-10A>G on transcript NM_001122752.2 (MANE Select); 10 bases into the intron before coding-DNA position 1157, A replaced by G.
Molecular consequence: intron variant.
Genome position (GRCh38, 1-based): chr3:167,825,237, A>G. VCF-style: chr3-167825237-A-G. GRCh37 (hg19) VCF-style: chr3-167543025-A-G.
Other names: c.1157-10A>G (NM_005025.5).
Identifiers: ClinVar variation 2805822 (VCV002805822.3), dbSNP rs2473331025, ClinGen allele CA913102378.